The following is an entry in ClinVar:

ClinVar aggregate classification (germline): Uncertain significance (1 of 4 stars; one submission).

gnomAD v4.1: 1 of 1,613,920 alleles (0.000062%); highest among the groups gnomAD compares: Non-Finnish European, 0.000085%; no homozygotes.

Submission:

Labcorp Genetics (formerly Invitae), Labcorp
Classification: Uncertain significance. Last evaluated: 2025-03-21. Review status: criteria provided, single submitter. Criteria: Invitae Variant Classification Sherloc (09022015). Collection method: clinical testing. Allele origin: germline.
Comment: This sequence change replaces isoleucine, which is neutral and non-polar, with phenylalanine, which is neutral and non-polar, at codon 363 of the SLC12A6 protein (p.Ile363Phe). This variant is not present in population databases (gnomAD no frequency). This variant has not been reported in the literature in individuals affected with SLC12A6-related conditions. Invitae Evidence Modeling of protein sequence and biophysical properties (such as structural, functional, and spatial information, amino acid conservation, physicochemical variation, residue mobility, and thermodynamic stability) indicates that this missense variant is not expected to disrupt SLC12A6 protein function with a negative predictive value of 80%. In summary, the available evidence is currently insufficient to determine the role of this variant in disease. Therefore, it has been classified as a Variant of Uncertain Significance.

NM_001365088.1(SLC12A6):c.1087A>T (p.Ile363Phe)

Gene: SLC12A6 (solute carrier family 12 member 6; minus strand). Cytogenetic location: 15q14.
Variant type: single nucleotide variant.
Coding change: c.1087A>T on transcript NM_001365088.1 (MANE Select); coding-DNA position 1087, A replaced by T.
Protein change: p.Ile363Phe; replaces isoleucine 363 with phenylalanine.
Molecular consequence: missense variant.
Genome position (GRCh38, 1-based): chr15:34,254,379, T>A on the plus strand (A>T on the coding strand, the complement: SLC12A6 is on the minus strand). VCF-style: chr15-34254379-T-A. GRCh37 (hg19) VCF-style: chr15-34546580-T-A.
Other names: c.1060A>T, p.Ile354Phe (NM_001042496.2); c.1042A>T, p.Ile348Phe (NM_001042497.2); c.910A>T, p.Ile304Phe (NM_001042494.2, NM_001042495.2); c.934A>T, p.Ile312Phe (NM_005135.2); c.1087A>T, p.Ile363Phe (NM_133647.2); short protein forms I354F, I312F, I348F, I363F, I304F.
Identifiers: ClinVar variation 4760528 (VCV004760528.1).